The following is an entry in ClinVar:

NM_006514.4(SCN10A):c.2280+6G>A

Gene: SCN10A (sodium voltage-gated channel alpha subunit 10; minus strand). Cytogenetic location: 3p22.2.
Variant type: single nucleotide variant.
Coding change: c.2280+6G>A on transcript NM_006514.4 (MANE Select); 6 bases into the intron after coding-DNA position 2280, G replaced by A.
Molecular consequence: intron variant.
Genome position (GRCh38, 1-based): chr3:38,739,509, C>T on the plus strand (G>A on the coding strand, the complement: SCN10A is on the minus strand). VCF-style: chr3-38739509-C-T. GRCh37 (hg19) VCF-style: chr3-38781000-C-T.
Other names: c.1986+6G>A (NM_001293307.2); c.2280+6G>A (NM_001293306.2).
Identifiers: ClinVar variation 4749380 (VCV004749380.1).

ClinVar aggregate classification (germline): Uncertain significance (1 of 4 stars; one submission).

Conditions:
Brugada syndrome. Also called: Sudden unexpected nocturnal death syndrome; Sudden unexplained nocturnal death syndrome; Sudden Unexplained Death Syndrome; Sudden Unexplained Nocturnal Death Syndrome (SUNDS). Identifiers: Orphanet 130, MedGen C1142166, MONDO:0015263.

gnomAD v4.1: 3 of 1,612,192 alleles (0.00019%); highest among the groups gnomAD compares: African/African-American, 0.004%; no homozygotes.

Submission:

Labcorp Genetics (formerly Invitae), Labcorp
Classification: Uncertain significance for Brugada syndrome. Last evaluated: 2025-10-29. Review status: criteria provided, single submitter. Criteria: Invitae Variant Classification Sherloc (09022015). Collection method: clinical testing. Allele origin: germline.
Comment: This sequence change falls in intron 14 of the SCN10A gene. It does not directly change the encoded amino acid sequence of the SCN10A protein. It affects a nucleotide within the consensus splice site. This variant is present in population databases (rs376343695, gnomAD 0.01%). This variant has not been reported in the literature in individuals affected with SCN10A-related conditions. Variants that disrupt the consensus splice site are a relatively common cause of aberrant splicing (PMID: 17576681, 9536098). Algorithms developed to predict the effect of sequence changes on RNA splicing suggest that this variant is not likely to affect RNA splicing. In summary, the available evidence is currently insufficient to determine the role of this variant in disease. Therefore, it has been classified as a Variant of Uncertain Significance.

Literature cited by the submitters: PubMed 17576681; PubMed 9536098.